The following is an entry in ClinVar:

NM_001080467.3(MYO5B):c.2728G>T (p.Ala910Ser)

Gene: MYO5B (myosin VB; minus strand). Cytogenetic location: 18q21.1.
Variant type: single nucleotide variant.
Coding change: c.2728G>T on transcript NM_001080467.3 (MANE Select); coding-DNA position 2728, G replaced by T.
Protein change: p.Ala910Ser; replaces alanine 910 with serine.
Molecular consequence: missense variant.
Genome position (GRCh38, 1-based): chr18:49,902,677, C>A on the plus strand (G>T on the coding strand, the complement: MYO5B is on the minus strand). VCF-style: chr18-49902677-C-A. GRCh37 (hg19) VCF-style: chr18-47429047-C-A.
Other names: short protein forms A910S.
Identifiers: ClinVar variation 2795840 (VCV002795840.3), dbSNP rs2024855446, ClinGen allele CA402432613.

ClinVar aggregate classification (germline): Uncertain significance (1 of 4 stars; one submission).

Allele frequency attached by ClinVar (database versions not stated): TOPMed below 0.00001.

Submission:

Labcorp Genetics (formerly Invitae), Labcorp
Classification: Uncertain significance. Last evaluated: 2023-06-21. Review status: criteria provided, single submitter. Criteria: Invitae Variant Classification Sherloc (09022015). Collection method: clinical testing. Allele origin: germline.
Comment: This variant has not been reported in the literature in individuals affected with MYO5B-related conditions. Advanced modeling of protein sequence and biophysical properties (such as structural, functional, and spatial information, amino acid conservation, physicochemical variation, residue mobility, and thermodynamic stability) performed at Invitae indicates that this missense variant is expected to disrupt MYO5B protein function. This sequence change replaces alanine, which is neutral and non-polar, with serine, which is neutral and polar, at codon 910 of the MYO5B protein (p.Ala910Ser). This variant is not present in population databases (gnomAD no frequency). In summary, the available evidence is currently insufficient to determine the role of this variant in disease. Therefore, it has been classified as a Variant of Uncertain Significance.